The following is an entry in ClinVar:

NM_007294.4(BRCA1):c.4057G>T (p.Glu1353Ter)

Genes: BRCA1 (BRCA1 DNA repair associated; minus strand), LOC126862571 (BRD4-independent group 4 enhancer GRCh37_chr17:41243136-41244335; plus strand). Cytogenetic location: 17q21.31.
Variant type: single nucleotide variant.
Coding change: c.4057G>T on transcript NM_007294.4 (MANE Select); coding-DNA position 4057, G replaced by T.
Protein change: p.Glu1353Ter; replaces glutamic acid 1353 with a stop codon.
Molecular consequence: nonsense. On other transcripts: intron variant (135).
Genome position (GRCh38, 1-based): chr17:43,091,474, C>A on the plus strand (G>T on the coding strand, the complement: BRCA1 is on the minus strand). VCF-style: chr17-43091474-C-A. GRCh37 (hg19) VCF-style: chr17-41243491-C-A.
Other names: c.3916G>T, p.Glu1306Ter (NM_001407731.1, NM_001407732.1, NM_001407733.1 and 29 more transcripts); c.3913G>T, p.Glu1305Ter (NM_001407740.1, NM_001407741.1, NM_001407742.1 and 20 more transcripts); c.3844G>T, p.Glu1282Ter (NM_001407853.1, NM_001407894.1, NM_001407895.1 and 9 more transcripts); c.4057G>T, p.Glu1353Ter (NM_001407854.1, NM_001407858.1, NM_001407859.1 and 30 more transcripts); c.4054G>T, p.Glu1352Ter (NM_001407860.1, NM_001407861.1, NM_001407587.1 and 22 more transcripts); c.3856G>T, p.Glu1286Ter (NM_001407862.1); c.3934G>T, p.Glu1312Ter (NM_001407863.1, NM_001407919.1, NM_001407937.1 and 19 more transcripts); c.3853G>T, p.Glu1285Ter (NM_001407874.1, NM_001407875.1); and 41 more; short protein forms E1353*, E1306*, E1185*, E1241*, E1283*, E1285*, E1286*, E1326*.
Identifiers: ClinVar variation 55090 (VCV000055090.21), dbSNP rs80357178, ClinGen allele CA002592.

ClinVar aggregate classification (germline): Pathogenic. Review status: reviewed by expert panel (3 of 4 stars). 7 submissions from 7 submitters: Pathogenic (1). 6 of the submissions do not count toward it. Last evaluated 2016-09-08.

Conditions:
Hereditary cancer-predisposing syndrome. Also called: Hereditary Cancer Syndrome; Hereditary neoplastic syndrome; Neoplastic Syndromes, Hereditary; Tumor predisposition. Identifiers: Orphanet 140162, MedGen C0027672, MeSH D009386, MONDO:0015356.
Hereditary breast ovarian cancer syndrome. Also called: BRCA1- and BRCA2-Associated Hereditary Breast and Ovarian Cancer; Hereditary breast and ovarian cancer syndrome; Hereditary breast and ovarian cancer syndrome (HBOC); Breast and ovarian cancer; Hereditary breast and/or ovarian cancer syndrome; Hereditary breast and ovarian cancer. Identifiers: Orphanet 145, MedGen C0677776, MeSH D061325, MONDO:0003582. Disease mechanism: loss of function.
Breast-ovarian cancer, familial, susceptibility to, 1 (BROVCA1). Also called: BRCA1 Hereditary Breast and Ovarian Cancer; OVARIAN CANCER, SUSCEPTIBILITY TO. Identifiers: Orphanet 145, MedGen C2676676, MONDO:0011450, OMIM 604370. Disease mechanism: loss of function.

gnomAD v4.1: 1 of 1,613,502 alleles (0.000062%); highest among the groups gnomAD compares: Non-Finnish European, 0.000085%; no homozygotes.

Submissions (7):

Evidence-based Network for the Interpretation of Germline Mutant Alleles (ENIGMA)
Classification: Pathogenic for Breast-ovarian cancer, familial, susceptibility to, 1. Last evaluated: 2016-09-08. Review status: reviewed by expert panel. Criteria: ENIGMA BRCA1/2 Classification Criteria (2015). Collection method: curation. Allele origin: germline.
Comment: Variant allele predicted to encode a truncated non-functional protein.

Ambry Genetics
Classification: Pathogenic for Hereditary cancer-predisposing syndrome. Last evaluated: 2024-08-22. Review status: criteria provided, single submitter. Criteria: Ambry Variant Classification Scheme 2023. Collection method: clinical testing. Allele origin: germline. Not counted in ClinVar's aggregate classification.
Comment: The p.E1353* pathogenic mutation (also known as c.4057G>T), located in coding exon 9 of the BRCA1 gene, results from a G to T substitution at nucleotide position 4057. This changes the amino acid from a glutamic acid to a stop codon within coding exon 9. This mutation was identified in one patient with high grade serous ovarian cancer (Weren et al. Hum. Mutat. 2017 02;38(2):226-235). This variant is considered to be rare based on population cohorts in the Genome Aggregation Database (gnomAD). In addition to the clinical data presented in the literature, this alteration is expected to result in loss of function by premature protein truncation or nonsense-mediated mRNA decay. As such, this alteration is interpreted as a disease-causing mutation.

Labcorp Genetics (formerly Invitae), Labcorp
Classification: Pathogenic for Hereditary breast ovarian cancer syndrome. Last evaluated: 2024-02-26. Review status: criteria provided, single submitter. Criteria: Invitae Variant Classification Sherloc (09022015). Collection method: clinical testing. Allele origin: germline. Not counted in ClinVar's aggregate classification.
Comment: This sequence change creates a premature translational stop signal (p.Glu1353*) in the BRCA1 gene. It is expected to result in an absent or disrupted protein product. Loss-of-function variants in BRCA1 are known to be pathogenic (PMID: 20104584). This variant is not present in population databases (gnomAD no frequency). This premature translational stop signal has been observed in individual(s) with ovarian cancer (PMID: 27767231). ClinVar contains an entry for this variant (Variation ID: 55090). Algorithms developed to predict the effect of sequence changes on RNA splicing suggest that this variant may disrupt the consensus splice site. For these reasons, this variant has been classified as Pathogenic.

Women's Health and Genetics/Laboratory Corporation of America, LabCorp
Classification: Pathogenic for Hereditary breast ovarian cancer syndrome. Last evaluated: 2022-09-19. Review status: criteria provided, single submitter. Criteria: LabCorp Variant Classification Summary - May 2015. Collection method: clinical testing. Allele origin: germline. Not counted in ClinVar's aggregate classification.
Comment: Variant summary: BRCA1 c.4057G>T (p.Glu1353X) results in a premature termination codon, predicted to cause a truncation of the encoded protein or absence of the protein due to nonsense mediated decay, which are commonly known mechanisms for disease. Truncations downstream of this position have been classified as pathogenic by our laboratory. The variant was absent in 251066 control chromosomes. c.4057G>T has been reported in the literature in individuals affected with Hereditary Breast And Ovarian Cancer Syndrome (Weren_2017, Park_2020), indicating that the variant is associated with disease. To our knowledge, no experimental evidence demonstrating an impact on protein function has been reported. Five clinical diagnostic laboratories have submitted clinical-significance assessments for this variant to ClinVar after 2014 without evidence for independent evaluation. All laboratories classified the variant as pathogenic. Based on the evidence outlined above, the variant was classified as pathogenic.

Quest Diagnostics Nichols Institute San Juan Capistrano
Classification: Pathogenic. Last evaluated: 2020-12-29. Review status: criteria provided, single submitter. Criteria: Quest Diagnostics criteria. Collection method: clinical testing. Allele origin: unknown. Not counted in ClinVar's aggregate classification.
Comment: This nonsense variant causes the premature termination of BRCA1 protein synthesis, and is reported in another study of breast cancer risk (PMID: 15998910 (2005)). Based on the available information, this variant is classified as pathogenic.

Molecular Genetics Laboratory, University of Michigan
Classification: Pathogenic for Breast-ovarian cancer, familial, susceptibility to, 1. Last evaluated: 2016-04-21. Review status: criteria provided, single submitter. Criteria: ACMG Guidelines, 2015. Collection method: clinical testing. Allele origin: germline. Affected: yes. Not counted in ClinVar's aggregate classification.

Breast Cancer Information Core (BIC) (BRCA1)
Classification: Pathogenic for Breast-ovarian cancer, familial 1. Last evaluated: 2002-05-29. Review status: no assertion criteria provided. Collection method: clinical testing. Allele origin: germline. Affected: yes. Observed: 3 variant alleles. Not counted in ClinVar's aggregate classification.

Literature cited by the submitters: PubMed 20104584 (cited by Labcorp Genetics (formerly Invitae), Labcorp); PubMed 27767231 (cited by 3 submitters); PubMed 32554602 (cited by Women's Health and Genetics/Laboratory Corporation of America, LabCorp); PubMed 34404389 (cited by Women's Health and Genetics/Laboratory Corporation of America, LabCorp); PubMed 15998910 (cited by Quest Diagnostics Nichols Institute San Juan Capistrano).